The following is an entry in ClinVar:

ClinVar aggregate classification (germline): Uncertain significance (1 of 4 stars; one submission).

Allele frequency attached by ClinVar (database versions not stated): gnomAD exomes below 0.00001; gnomAD 0.00001.
gnomAD v4.1: 6 of 1,281,810 alleles (0.00047%); highest among the groups gnomAD compares: Non-Finnish European, 0.00061%; no homozygotes.

Submission:

Labcorp Genetics (formerly Invitae), Labcorp
Classification: Uncertain significance. Last evaluated: 2024-01-10. Review status: criteria provided, single submitter. Criteria: Invitae Variant Classification Sherloc (09022015). Collection method: clinical testing. Allele origin: germline.
Comment: This sequence change replaces asparagine, which is neutral and polar, with serine, which is neutral and polar, at codon 884 of the ERCC6L2 protein (p.Asn884Ser). This variant is present in population databases (no rsID available, gnomAD 0.01%). This variant has not been reported in the literature in individuals affected with ERCC6L2-related conditions. Experimental studies and prediction algorithms are not available or were not evaluated, and the functional significance of this variant is currently unknown. In summary, the available evidence is currently insufficient to determine the role of this variant in disease. Therefore, it has been classified as a Variant of Uncertain Significance.

NM_020207.7(ERCC6L2):c.2618A>G (p.Asn873Ser)

Gene: ERCC6L2 (ERCC excision repair 6 like 2; plus strand). Cytogenetic location: 9q22.32.
Variant type: single nucleotide variant.
Coding change: c.2618A>G on transcript NM_020207.7 (MANE Select); coding-DNA position 2618, A replaced by G.
Protein change: p.Asn873Ser; replaces asparagine 873 with serine.
Molecular consequence: missense variant. On other transcripts: non-coding transcript variant (1).
Genome position (GRCh38, 1-based): chr9:95,972,369, A>G. VCF-style: chr9-95972369-A-G. GRCh37 (hg19) VCF-style: chr9-98734651-A-G.
Other names: c.2618A>G, p.Asn873Ser (NM_001375291.1, NM_001375292.1, NM_001375293.1 and 1 more transcripts); short protein forms N873S.
Identifiers: ClinVar variation 2749072 (VCV002749072.2), dbSNP rs1295304630, ClinGen allele CA589285371.